The following is an entry in ClinVar:

ClinVar aggregate classification (germline): Uncertain significance. Review status: criteria provided, multiple submitters, no conflicts (2 of 4 stars). 2 submissions from 2 submitters: Uncertain significance (2). Last evaluated 2023-07-25.

Allele frequency attached by ClinVar (database versions not stated): gnomAD 0.00001 and 0.00002; ExAC 0.00002; TOPMed 0.00003.
gnomAD v4.1: 14 of 1,609,674 alleles (0.00087%); highest among the groups gnomAD compares: South Asian, 0.0066%; no homozygotes.

Submissions (2):

GeneDx
Classification: Uncertain significance. Last evaluated: 2023-07-25. Review status: criteria provided, single submitter. Criteria: GeneDx Variant Classification Process June 2021. Collection method: clinical testing. Allele origin: germline. Affected: yes.
Comment: Not observed at significant frequency in large population cohorts (gnomAD); In silico analysis supports that this missense variant does not alter protein structure/function; Has not been previously published as pathogenic or benign to our knowledge

Labcorp Genetics (formerly Invitae), Labcorp
Classification: Uncertain significance. Last evaluated: 2022-06-05. Review status: criteria provided, single submitter. Criteria: Invitae Variant Classification Sherloc (09022015). Collection method: clinical testing. Allele origin: germline.
Comment: This sequence change replaces aspartic acid, which is acidic and polar, with glutamic acid, which is acidic and polar, at codon 1152 of the TRIOBP protein (p.Asp1152Glu). This variant is present in population databases (rs771386143, gnomAD 0.006%). This variant has not been reported in the literature in individuals affected with TRIOBP-related conditions. ClinVar contains an entry for this variant (Variation ID: 1355772). Algorithms developed to predict the effect of missense changes on protein structure and function are either unavailable or do not agree on the potential impact of this missense change (SIFT: "Deleterious"; PolyPhen-2: "Possibly Damaging"; Align-GVGD: "Class C0"). In summary, the available evidence is currently insufficient to determine the role of this variant in disease. Therefore, it has been classified as a Variant of Uncertain Significance.

NM_001039141.3(TRIOBP):c.3456C>G (p.Asp1152Glu)

Gene: TRIOBP (TRIO and F-actin binding protein; plus strand). Cytogenetic location: 22q13.1.
Variant type: single nucleotide variant.
Coding change: c.3456C>G on transcript NM_001039141.3 (MANE Select); coding-DNA position 3456, C replaced by G.
Protein change: p.Asp1152Glu; replaces aspartic acid 1152 with glutamic acid.
Molecular consequence: missense variant.
Genome position (GRCh38, 1-based): chr22:37,726,012, C>G. VCF-style: chr22-37726012-C-G. GRCh37 (hg19) VCF-style: chr22-38122019-C-G.
Other names: c.3456C>G (NM_001039141.2); short protein forms D1152E.
Identifiers: ClinVar variation 1355772 (VCV001355772.3), dbSNP rs771386143, ClinGen allele CA10224132.